The following is an entry in ClinVar:

NM_013266.4(CTNNA3):c.2248C>T (p.Arg750Trp)

Gene: CTNNA3 (catenin alpha 3; minus strand). Cytogenetic location: 10q21.3.
Variant type: single nucleotide variant.
Coding change: c.2248C>T on transcript NM_013266.4 (MANE Select); coding-DNA position 2248, C replaced by T.
Protein change: p.Arg750Trp; replaces arginine 750 with tryptophan.
Molecular consequence: missense variant.
Genome position (GRCh38, 1-based): chr10:65,988,709, G>A on the plus strand (C>T on the coding strand, the complement: CTNNA3 is on the minus strand). VCF-style: chr10-65988709-G-A. GRCh37 (hg19) VCF-style: chr10-67748467-G-A.
Other names: c.2248C>T, p.Arg750Trp (NM_001127384.3); short protein forms R750W.
Identifiers: ClinVar variation 1420922 (VCV001420922.11), dbSNP rs149211186, ClinGen allele CA5519654.

ClinVar aggregate classification (germline): Uncertain significance. Review status: criteria provided, multiple submitters, no conflicts (2 of 4 stars). 2 submissions from 2 submitters: Uncertain significance (2). Last evaluated 2026-01-28.

Conditions:
Arrhythmogenic right ventricular dysplasia 13. Also called: ARRHYTHMOGENIC RIGHT VENTRICULAR CARDIOMYOPATHY 13; Arrhythmogenic right ventricular dysplasia, familial, 13. Identifiers: MedGen C3810138, MONDO:0000908, OMIM 615616.

Allele frequency attached by ClinVar (database versions not stated): ESP Exome Variant Server 0.00015.
gnomAD v4.1: 55 of 1,613,298 alleles (0.0034%); highest among the groups gnomAD compares: African/African-American, 0.033%; no homozygotes.

Submissions (2):

Labcorp Genetics (formerly Invitae), Labcorp
Classification: Uncertain significance for Arrhythmogenic right ventricular dysplasia 13. Last evaluated: 2026-01-28. Review status: criteria provided, single submitter. Criteria: Invitae Variant Classification Sherloc (09022015). Collection method: clinical testing. Allele origin: germline.
Comment: This sequence change replaces arginine, which is basic and polar, with tryptophan, which is neutral and slightly polar, at codon 750 of the CTNNA3 protein (p.Arg750Trp). This variant is present in population databases (rs149211186, gnomAD 0.04%), and has an allele count higher than expected for a pathogenic variant. This variant has not been reported in the literature in individuals affected with CTNNA3-related conditions. ClinVar contains an entry for this variant (Variation ID: 1420922). Invitae Evidence Modeling of protein sequence and biophysical properties (such as structural, functional, and spatial information, amino acid conservation, physicochemical variation, residue mobility, and thermodynamic stability) indicates that this missense variant is not expected to disrupt CTNNA3 protein function with a negative predictive value of 80%. In summary, the available evidence is currently insufficient to determine the role of this variant in disease. Therefore, it has been classified as a Variant of Uncertain Significance.

Ambry Genetics
Classification: Uncertain significance. Last evaluated: 2025-06-28. Review status: criteria provided, single submitter. Criteria: Ambry Variant Classification Scheme 2023. Collection method: clinical testing. Allele origin: germline.
Comment: The p.R750W variant (also known as c.2248C>T), located in coding exon 15 of the CTNNA3 gene, results from a C to T substitution at nucleotide position 2248. The arginine at codon 750 is replaced by tryptophan, an amino acid with dissimilar properties. This amino acid position is conserved. In addition, the in silico prediction for this alteration is inconclusive. Since supporting evidence is limited at this time, the clinical significance of this alteration remains unclear.